The following is an entry in ClinVar:

ClinVar aggregate classification (germline): Pathogenic. Review status: criteria provided, multiple submitters, no conflicts (2 of 4 stars). 3 submissions from 3 submitters: Pathogenic (2). 1 of the submissions does not count toward it. Last evaluated 2022-06-13.

Conditions:
Retinal dystrophy. Also called: Inherited retinal dystrophy. Identifiers: Orphanet 71862, MedGen C0854723, MeSH D058499, MONDO:0019118, HP:0000556.
PRPH2-related disorder. Also called: PRPH2-related condition; PRPH2-related disorders. Identifiers: MedGen CN239395.

Submissions (3):

Blueprint Genetics
Classification: Pathogenic for PRPH2-related disorders. Last evaluated: 2022-06-13. Review status: criteria provided, single submitter. Criteria: ACMG Guidelines, 2015. Collection method: clinical testing. Allele origin: germline. Affected: yes. Observed: 1 variant allele.

Institute of Human Genetics, Univ. Regensburg, Univ. Regensburg
Classification: Pathogenic for Retinal dystrophy. Last evaluated: 2009-01-01. Review status: criteria provided, single submitter. Criteria: ACMG Guidelines, 2015. Collection method: clinical testing. Allele origin: germline. Affected: yes.

Leiden Open Variation Database
Classification: Pathogenic. Last evaluated: 2021-04-06. Review status: no assertion criteria provided. Collection method: curation. Allele origin: germline. Affected: yes. Not counted in ClinVar's aggregate classification.
Comment: Curator: Global Variome, with Curator vacancy. Submitter to LOVD: Manon Peeters. Comment: Variant observed de novo.

Literature cited by the submitters: PubMed 30892800 (cited by Institute of Human Genetics, Univ. Regensburg, Univ. Regensburg and Leiden Open Variation Database); PubMed 32531858 (cited by Institute of Human Genetics, Univ. Regensburg, Univ. Regensburg); PubMed 34411390 (cited by Institute of Human Genetics, Univ. Regensburg, Univ. Regensburg).

NM_000322.5(PRPH2):c.582-2A>T

Gene: PRPH2 (peripherin 2; minus strand). Cytogenetic location: 6p21.1.
Variant type: single nucleotide variant.
Coding change: c.582-2A>T on transcript NM_000322.5 (MANE Select); the canonical splice acceptor site of the intron before coding-DNA position 582, A replaced by T.
Molecular consequence: splice acceptor variant.
Genome position (GRCh38, 1-based): chr6:42,704,613, T>A on the plus strand (A>T on the coding strand, the complement: PRPH2 is on the minus strand). VCF-style: chr6-42704613-T-A. GRCh37 (hg19) VCF-style: chr6-42672351-T-A.
Identifiers: ClinVar variation 1175288 (VCV001175288.3), dbSNP rs2152005417, ClinGen allele CA364135899.